The following is an entry in ClinVar:

NM_080424.4(SP110):c.436C>T (p.Gln146Ter)

Genes: SP110 (SP110 nuclear body protein; minus strand), SP140 (SP140 nuclear body protein; plus strand). Cytogenetic location: 2q37.1.
Variant type: single nucleotide variant.
Coding change: c.436C>T on transcript NM_080424.4 (MANE Select); coding-DNA position 436, C replaced by T.
Protein change: p.Gln146Ter; replaces glutamine 146 with a stop codon.
Molecular consequence: nonsense.
Genome position (GRCh38, 1-based): chr2:230,212,908, G>A on the plus strand (C>T on the coding strand, the complement: SP110 is on the minus strand). VCF-style: chr2-230212908-G-A. GRCh37 (hg19) VCF-style: chr2-231077623-G-A.
Other names: c.454C>T, p.Gln152Ter (NM_001185015.2, NM_001378442.1, NM_001378444.1 and 2 more transcripts); c.436C>T, p.Gln146Ter (NM_001378443.1, NM_001378447.1, NM_004509.5 and 1 more transcripts); short protein forms Q146*, Q152*.
Identifiers: ClinVar variation 1390383 (VCV001390383.6), dbSNP rs2148926458, ClinGen allele CA350916760.

ClinVar aggregate classification (germline): Pathogenic (1 of 4 stars; one submission).

Conditions:
Hepatic veno-occlusive disease-immunodeficiency syndrome. Also called: Hepatic Veno-Occlusive Disease with Immunodeficiency. Identifiers: Orphanet 79124, MedGen C1856128, MONDO:0009338, OMIM 235550. Disease mechanism: loss of function.

gnomAD v4.1: 1 of 1,614,128 alleles (0.000062%); no homozygotes.

Submission:

Labcorp Genetics (formerly Invitae), Labcorp
Classification: Pathogenic for Hepatic veno-occlusive disease-immunodeficiency syndrome. Last evaluated: 2021-12-06. Review status: criteria provided, single submitter. Criteria: Invitae Variant Classification Sherloc (09022015). Collection method: clinical testing. Allele origin: germline.
Comment: For these reasons, this variant has been classified as Pathogenic. This variant has not been reported in the literature in individuals affected with SP110-related conditions. This variant is not present in population databases (gnomAD no frequency). This sequence change creates a premature translational stop signal (p.Gln146*) in the SP110 gene. It is expected to result in an absent or disrupted protein product. Loss-of-function variants in SP110 are known to be pathogenic (PMID: 16648851, 22621957).

Literature cited by the submitters: PubMed 16648851; PubMed 22621957.